The following is an entry in ClinVar:

ClinVar aggregate classification (germline): Likely benign. Review status: criteria provided, multiple submitters, no conflicts (2 of 4 stars). 3 submissions from 3 submitters: Likely benign (2). 1 of the submissions does not count toward it. Last evaluated 2026-01-01.

Conditions:
CHD3-related disorder. Also called: CHD3-related condition.

Allele frequency attached by ClinVar (database versions not stated): 1000 Genomes Project 0.00020; 1000 Genomes Project 30x 0.00031; ExAC 0.00057; TOPMed 0.00071; ESP Exome Variant Server 0.00077; gnomAD 0.00080; gnomAD exomes 0.00109.
gnomAD v4.1: 1,705 of 1,614,108 alleles (0.11%); highest among the groups gnomAD compares: Non-Finnish European, 0.13%; 3 homozygotes.

Submissions (3):

CeGaT Center for Human Genetics Tuebingen
Classification: Likely benign. Last evaluated: 2026-01-01. Review status: criteria provided, single submitter. Criteria: CeGaT Center For Human Genetics Tuebingen Variant Classification Criteria Version 2. Collection method: clinical testing. Allele origin: germline. Affected: yes. Observed: 4 variant alleles.
Comment: CHD3: BP4, BP7

Blueprint Genetics
Classification: Likely benign. Last evaluated: 2024-11-23. Review status: criteria provided, single submitter. Criteria: ACMG Guidelines, 2015. Collection method: clinical testing. Allele origin: germline.

PreventionGenetics, part of Exact Sciences
Classification: Likely benign for CHD3-related condition. Last evaluated: 2024-04-03. Review status: no assertion criteria provided. Collection method: clinical testing. Allele origin: germline. Not counted in ClinVar's aggregate classification.
Comment: This variant is classified as likely benign based on ACMG/AMP sequence variant interpretation guidelines (Richards et al. 2015 PMID: 25741868, with internal and published modifications).

NM_001005273.3(CHD3):c.4569C>T (p.Ala1523=)

Gene: CHD3 (chromodomain helicase DNA binding protein 3; plus strand). Cytogenetic location: 17p13.1.
Variant type: single nucleotide variant.
Coding change: c.4569C>T on transcript NM_001005273.3 (MANE Select); coding-DNA position 4569, C replaced by T.
Protein change: p.Ala1523=; no amino-acid change (alanine 1523 retained).
Molecular consequence: synonymous variant.
Genome position (GRCh38, 1-based): chr17:7,906,934, C>T. VCF-style: chr17-7906934-C-T. GRCh37 (hg19) VCF-style: chr17-7810252-C-T.
Other names: c.4746C>T (NM_001005271.2); c.4746C>T, p.Ala1582= (NM_001005271.3); c.4569C>T, p.Ala1523= (NM_005852.4).
Identifiers: ClinVar variation 2647431 (VCV002647431.26), dbSNP rs141697841, ClinGen allele CA8363405.